The following is an entry in ClinVar:

ClinVar aggregate classification (germline): Uncertain significance (1 of 4 stars; one submission).

Allele frequency attached by ClinVar (database versions not stated): gnomAD exomes 0.00002; ExAC 0.00003.
gnomAD v4.1: 7 of 1,613,670 alleles (0.00043%); highest among the groups gnomAD compares: South Asian, 0.0044%; no homozygotes.

Submission:

Labcorp Genetics (formerly Invitae), Labcorp
Classification: Uncertain significance. Last evaluated: 2022-10-17. Review status: criteria provided, single submitter. Criteria: Invitae Variant Classification Sherloc (09022015). Collection method: clinical testing. Allele origin: germline.
Comment: This variant is present in population databases (rs781151144, gnomAD 0.01%). This variant has not been reported in the literature in individuals affected with MPDZ-related conditions. ClinVar contains an entry for this variant (Variation ID: 1474041). Algorithms developed to predict the effect of missense changes on protein structure and function (SIFT, PolyPhen-2, Align-GVGD) all suggest that this variant is likely to be disruptive. In summary, the available evidence is currently insufficient to determine the role of this variant in disease. Therefore, it has been classified as a Variant of Uncertain Significance. This sequence change replaces glycine, which is neutral and non-polar, with alanine, which is neutral and non-polar, at codon 1359 of the MPDZ protein (p.Gly1359Ala).

NM_001378778.1(MPDZ):c.4076G>C (p.Gly1359Ala)

Gene: MPDZ (multiple PDZ domain crumbs cell polarity complex component; minus strand). Cytogenetic location: 9p23.
Variant type: single nucleotide variant.
Coding change: c.4076G>C on transcript NM_001378778.1 (MANE Select); coding-DNA position 4076, G replaced by C.
Protein change: p.Gly1359Ala; replaces glycine 1359 with alanine.
Molecular consequence: missense variant.
Genome position (GRCh38, 1-based): chr9:13,138,081, C>G on the plus strand (G>C on the coding strand, the complement: MPDZ is on the minus strand). VCF-style: chr9-13138081-C-G. GRCh37 (hg19) VCF-style: chr9-13138080-C-G.
Other names: c.3866G>C, p.Gly1289Ala (NM_001375422.1, NM_001375420.1, NM_001375423.1 and 4 more transcripts); c.3977G>C, p.Gly1326Ala (NM_001375416.1, NM_001375419.1, NM_001375417.1 and 3 more transcripts); c.3668G>C, p.Gly1223Ala (NM_001375427.1); c.4076G>C, p.Gly1359Ala (NM_003829.5, NM_001330637.2, NM_001375413.1); short protein forms G1223A, G1359A, G1326A, G1289A.
Identifiers: ClinVar variation 1474041 (VCV001474041.6), dbSNP rs781151144, ClinGen allele CA4986837.